The following is an entry in ClinVar:

NM_001377458.1(CLCC1):c.1041+1G>T

Gene: CLCC1 (chloride channel CLIC like 1; minus strand). Cytogenetic location: 1p13.3.
Variant type: single nucleotide variant.
Coding change: c.1041+1G>T on transcript NM_001377458.1 (MANE Select); the canonical splice donor site of the intron after coding-DNA position 1041, G replaced by T.
Molecular consequence: splice donor variant.
Genome position (GRCh38, 1-based): chr1:108,939,635, C>A on the plus strand (G>T on the coding strand, the complement: CLCC1 is on the minus strand). VCF-style: chr1-108939635-C-A. GRCh37 (hg19) VCF-style: chr1-109482257-C-A.
Other names: c.939+1G>T (NM_001377469.1); c.891+1G>T (NM_015127.5); c.1041+1G>T (NM_001377461.1, NM_001377460.1, NM_001377459.1 and 8 more transcripts); c.750+1G>T (NM_001377470.1); c.678+1G>T (NM_001278202.2); c.486+1G>T (NM_001278203.1).
Identifiers: ClinVar variation 1480566 (VCV001480566.6), dbSNP rs1481109711, ClinGen allele CA341459040.

ClinVar aggregate classification (germline): Uncertain significance (1 of 4 stars; one submission).

Submission:

Labcorp Genetics (formerly Invitae), Labcorp
Classification: Uncertain significance. Last evaluated: 2022-03-10. Review status: criteria provided, single submitter. Criteria: Invitae Variant Classification Sherloc (09022015). Collection method: clinical testing. Allele origin: germline.
Comment: This variant is not present in population databases (gnomAD no frequency). This sequence change affects a donor splice site in intron 9 of the CLCC1 gene. It is expected to disrupt RNA splicing. Variants that disrupt the donor or acceptor splice site typically lead to a loss of protein function (PMID: 16199547), however the current clinical and genetic evidence is not sufficient to establish whether loss-of-function variants in CLCC1 cause disease. This variant has not been reported in the literature in individuals affected with CLCC1-related conditions. Algorithms developed to predict the effect of sequence changes on RNA splicing suggest that this variant may disrupt the consensus splice site. In summary, the available evidence is currently insufficient to determine the role of this variant in disease. Therefore, it has been classified as a Variant of Uncertain Significance.

Literature cited by the submitters: PubMed 16199547.